The following is an entry in ClinVar:

ClinVar aggregate classification (germline): Benign. Review status: criteria provided, multiple submitters, no conflicts (2 of 4 stars). 4 submissions from 4 submitters: Benign (4). Last evaluated 2026-01-26.

Conditions:
Methylmalonic acidemia with homocystinuria, type cblX (MAHCX). Also called: INTELLECTUAL DEVELOPMENTAL DISORDER, X-LINKED 3. Identifiers: Orphanet 369962, MedGen C0796208, MONDO:0010657, OMIM 309541.

Allele frequency attached by ClinVar (database versions not stated): gnomAD 0.00076 and 0.00118; TOPMed 0.00197; ExAC 0.00305; gnomAD exomes 0.00317; 1000 Genomes Project 30x 0.00541; 1000 Genomes Project 0.00556.
gnomAD v4.1: 1,308 of 1,209,367 alleles (0.11%); highest among the groups gnomAD compares: East Asian, 3.2%; 14 homozygotes.

Submissions (4):

Labcorp Genetics (formerly Invitae), Labcorp
Classification: Benign for Methylmalonic acidemia with homocystinuria, type cblX. Last evaluated: 2026-01-26. Review status: criteria provided, single submitter. Criteria: Invitae Variant Classification Sherloc (09022015). Collection method: clinical testing. Allele origin: germline.

Mayo Clinic Laboratories, Mayo Clinic
Classification: Benign. Last evaluated: 2025-07-31. Review status: criteria provided, single submitter. Criteria: ACMG Guidelines, 2015. Collection method: clinical testing. Allele origin: germline. Observed: 2 variant alleles.
Comment: BS1, BS2, BP4, BP7

GeneDx
Classification: Benign. Last evaluated: 2017-08-23. Review status: criteria provided, single submitter. Criteria: GeneDx Variant Classification (06012015). Collection method: clinical testing. Allele origin: germline. Affected: yes.
Comment: This variant is considered likely benign or benign based on one or more of the following criteria: it is a conservative change, it occurs at a poorly conserved position in the protein, it is predicted to be benign by multiple in silico algorithms, and/or has population frequency not consistent with disease.

Breakthrough Genomics
Classification: Benign. Review status: criteria provided, single submitter. Criteria: ACMG Guidelines, 2015. Collection method: not provided. Allele origin: germline. Inheritance: X-linked inheritance. Affected: yes.

NM_005334.3(HCFC1):c.5601C>T (p.Ala1867=)

Gene: HCFC1 (host cell factor C1; minus strand). Cytogenetic location: Xq28.
Variant type: single nucleotide variant.
Coding change: c.5601C>T on transcript NM_005334.3 (MANE Select); coding-DNA position 5601, C replaced by T.
Protein change: p.Ala1867=; no amino-acid change (alanine 1867 retained).
Molecular consequence: synonymous variant.
Genome position (GRCh38, 1-based): chrX:153,950,915, G>A on the plus strand (C>T on the coding strand, the complement: HCFC1 is on the minus strand). VCF-style: chrX-153950915-G-A. GRCh37 (hg19) VCF-style: chrX-153216366-G-A.
Other names: p.Ala1867=.
Identifiers: ClinVar variation 506490 (VCV000506490.14), dbSNP rs144160012, ClinGen allele CA10556754.
Genomic context (GRCh38, chrX:153,950,915, plus strand): 5'-CAGGCACGTCTTAAAGGCTGAGATTTCGCTGAAGGGCCCCCGGCCACAGGCATTGATTCC[G>A]GCAACACGAAACTTATAGGCTGTGCCTGGCTGCAGCTCCTGCTTCTTCAGCTGGTTATAG-3'
Protein context (NP_005325.2, residues 1857-1877): QPGTAYKFRV[Ala1867=]GINACGRGPF